The following is an entry in ClinVar:

ClinVar aggregate classification (germline): Conflicting classifications of pathogenicity. Review status: criteria provided, conflicting classifications (1 of 4 stars). 12 submissions from 11 submitters: Uncertain significance (3); Benign (3); Likely benign (4). 2 of the submissions do not count toward it. Last evaluated 2026-08-01.

Conditions:
CDH23-related disorder. Also called: CDH23-related disorders; CDH23-related condition.
Usher syndrome type 1 (USH1). Also called: RETINITIS PIGMENTOSA AND CONGENITAL DEAFNESS. Identifiers: Orphanet 231169, Orphanet 886, MedGen C1568247, MONDO:0010168, OMIM 276900.
Autosomal recessive nonsyndromic hearing loss 12. Also called: DEAFNESS, AUTOSOMAL RECESSIVE 12. Identifiers: Orphanet 90636, MedGen C1832394, MONDO:0011067, OMIM 601386.
Usher syndrome type 1D (USH1D). Also called: USHER SYNDROME, TYPE ID. Identifiers: Orphanet 231169, Orphanet 886, MedGen C1832845, MONDO:0010984, OMIM 601067.
Intellectual disability. Also called: Intellectual functioning disability; Intellectual developmental disorder; intellectual disabilities. Identifiers: MedGen C3714756, MeSH D008607, MONDO:0001071, HP:0001249.

Allele frequency attached by ClinVar (database versions not stated): gnomAD exomes 0.00459 and 0.00256; 1000 Genomes Project 30x 0.00234; gnomAD 0.00285; 1000 Genomes Project 0.00180; ExAC 0.00259; TOPMed 0.00291; ESP Exome Variant Server 0.00350.
gnomAD v4.1: 7,066 of 1,603,690 alleles (0.44%); highest among the groups gnomAD compares: Non-Finnish European, 0.54%; 21 homozygotes.

Submissions (12):

CeGaT Center for Human Genetics Tuebingen
Classification: Likely benign. Last evaluated: 2026-08-01. Review status: criteria provided, single submitter. Criteria: CeGaT Center For Human Genetics Tuebingen Variant Classification Criteria Version 2. Collection method: clinical testing. Allele origin: germline. Affected: yes. Observed: 20 variant alleles.
Comment: CDH23: BP4, BS2

Labcorp Genetics (formerly Invitae), Labcorp
Classification: Benign. Last evaluated: 2026-02-04. Review status: criteria provided, single submitter. Criteria: Invitae Variant Classification Sherloc (09022015). Collection method: clinical testing. Allele origin: germline.

Women's Health and Genetics/Laboratory Corporation of America, LabCorp
Classification: Likely benign. Last evaluated: 2025-12-10. Review status: criteria provided, single submitter. Criteria: LabCorp Variant Classification Summary - May 2015. Collection method: clinical testing. Allele origin: germline.
Comment: Variant summary: CDH23 c.4045C>T (p.Arg1349Cys) results in a non-conservative amino acid change in the encoded protein sequence. Algorithms developed to predict the effect of missense changes on protein structure and function are either unavailable or do not agree on the potential impact of this missense change. The variant allele was found at a frequency of 0.0026 in 230118 control chromosomes, predominantly at a frequency of 0.004 within the Non-Finnish European subpopulation in the gnomAD database. The observed variant frequency within Non-Finnish European control individuals in the gnomAD database exceeds the estimated maximal expected allele frequency for disease-causing variants in CDH23. c.4045C>T has been observed in two individuals with nonsyndromic sensorineural hearing loss and in an individual affected with Usher Syndrome, without strong evidence of causality (example: Kothiyal_2010, Mihalich_2024). These reports do not provide unequivocal conclusions about association of the variant with Usher Syndrome. To our knowledge, no experimental evidence demonstrating an impact on protein function has been reported. The following publications have been ascertained in the context of this evaluation (PMID: 20146813, 38927702, 18429043). ClinVar contains an entry for this variant (Variation ID: 45936). Based on the evidence outlined above, the variant was classified as likely benign.

Blueprint Genetics
Classification: Likely benign. Last evaluated: 2024-11-19. Review status: criteria provided, single submitter. Criteria: ACMG Guidelines, 2015. Collection method: clinical testing. Allele origin: germline.

GeneDx
Classification: Likely benign. Last evaluated: 2020-12-22. Review status: criteria provided, single submitter. Criteria: GeneDx Variant Classification Process June 2021. Collection method: clinical testing. Allele origin: germline. Affected: yes.
Comment: This variant is associated with the following publications: (PMID: 11138009, 20146813, 18429043)

Cambridge Genomics Laboratory, East Genomic Laboratory Hub, NHS Genomic Medicine Service
Classification: Uncertain significance for Intellectual disability. Last evaluated: 2020-07-13. Review status: criteria provided, single submitter. Criteria: ACGS Best Practice Guidelines for Variant Classification in Rare Disease 2020. Collection method: clinical testing. Allele origin: germline. Affected: yes. Observed: 1 variant allele.

Illumina Laboratory Services, Illumina
Classification: Uncertain significance for Usher syndrome type 1D. Last evaluated: 2017-04-27. Review status: criteria provided, single submitter. Criteria: ICSL Variant Classification Criteria 13 December 2019. Collection method: clinical testing. Allele origin: germline.
Comment: This variant was observed as part of a predisposition screen in an ostensibly healthy population. A literature search was performed for the gene, cDNA change, and amino acid change (where applicable). Publications were found based on this search. However, the evidence from the literature, in combination with allele frequency data from public databases where available, was not sufficient to rule this variant in or out of causing disease. Therefore, this variant is classified as a variant of unknown significance.

Illumina Laboratory Services, Illumina
Classification: Uncertain significance for Autosomal recessive nonsyndromic hearing loss 12. Last evaluated: 2017-04-27. Review status: criteria provided, single submitter. Criteria: ICSL Variant Classification Criteria 13 December 2019. Collection method: clinical testing. Allele origin: germline.
Comment: the same text as in the submission from Illumina Laboratory Services, Illumina above.

Eurofins Ntd Llc (ga)
Classification: Benign. Last evaluated: 2015-09-22. Review status: criteria provided, single submitter. Criteria: EGL Classification Definitions 2015. Collection method: clinical testing. Allele origin: germline. Observed: 1 variant allele, 1 heterozygote.

Laboratory for Molecular Medicine, Mass General Brigham Personalized Medicine
Classification: Benign. Last evaluated: 2014-01-02. Review status: criteria provided, single submitter. Criteria: LMM Criteria. Collection method: clinical testing. Allele origin: germline. Observed: 17 variant alleles.
Comment: Arg1349Cys in Exon 32A of CDH23: This variant is not expected to have clinical s ignificance because it has been identified in 0.5% (40/8420) of European America n chromosomes from a broad population by the NHLBI Exome Sequencing Project (dbSNP rs41281318).

PreventionGenetics, part of Exact Sciences
Classification: Likely benign for CDH23-related condition. Last evaluated: 2022-02-24. Review status: no assertion criteria provided. Collection method: clinical testing. Allele origin: germline. Not counted in ClinVar's aggregate classification.
Comment: This variant is classified as likely benign based on ACMG/AMP sequence variant interpretation guidelines (Richards et al. 2015 PMID: 25741868, with internal and published modifications).

Natera, Inc.
Classification: Likely benign for Usher syndrome type 1. Last evaluated: 2020-09-14. Review status: no assertion criteria provided. Collection method: clinical testing. Allele origin: germline. Not counted in ClinVar's aggregate classification.

Literature cited by the submitters: PubMed 20146813 (cited by 3 submitters); PubMed 18429043 (cited by 3 submitters); PubMed 38927702 (cited by Women's Health and Genetics/Laboratory Corporation of America, LabCorp); PubMed 11138009 (cited by Laboratory for Molecular Medicine, Mass General Brigham Personalized Medicine).

NM_022124.6(CDH23):c.4045C>T (p.Arg1349Cys)

Genes: C10orf105 (chromosome 10 open reading frame 105; minus strand), CDH23 (cadherin related 23; plus strand). Cytogenetic location: 10q22.1.
Variant type: single nucleotide variant.
Coding change: c.4045C>T on transcript NM_022124.6 (MANE Select); coding-DNA position 4045, C replaced by T.
Protein change: p.Arg1349Cys; replaces arginine 1349 with cysteine.
Molecular consequence: missense variant. On other transcripts: intron variant (1).
Genome position (GRCh38, 1-based): chr10:71,732,316, C>T. VCF-style: chr10-71732316-C-T. GRCh37 (hg19) VCF-style: chr10-73492073-C-T.
Other names: c.4045C>T, p.Arg1349Cys (NM_001171930.2); c.-6+5412G>A (NM_001168390.2); short protein forms R1349C.
Identifiers: ClinVar variation 45936 (VCV000045936.59), dbSNP rs41281318, ClinGen allele CA137411.
Genomic context (GRCh38, chr10:71,732,316, plus strand): 5'-GGTACTGAGATTGTGCGGGTCCAGGCCTACTCCATCGACAACCTCAACCAAATCACGTAC[C>T]GCTTCAACGCCTACACCAGCACCCAGGCCAAAGCCCTCTTCAAGATAGACGCCATCACGG-3'
Protein context (NP_071407.4, residues 1339-1359): SIDNLNQITY[Arg1349Cys]FNAYTSTQAK